The following is an entry in ClinVar:

ClinVar aggregate classification (germline): Pathogenic (1 of 4 stars; one submission).

Conditions:
Generalized epilepsy with febrile seizures plus, type 7 (GEFSP7). Also called: GEFS+, TYPE 7. Identifiers: Orphanet 36387, MedGen C2751778, MONDO:0013470, OMIM 613863.
Neuropathy, hereditary sensory and autonomic, type 2A (HSAN2A). Also called: MORVAN DISEASE; NEUROPATHY, CONGENITAL SENSORY; NEUROPATHY, HEREDITARY SENSORY RADICULAR, AUTOSOMAL RECESSIVE; NEUROPATHY, HEREDITARY SENSORY, TYPE IIA; NEUROPATHY, PROGRESSIVE SENSORY, OF CHILDREN; WNK1-Related HSAN2 (HSAN2A). Identifiers: Orphanet 970, MedGen C2752089, MONDO:0024309, OMIM 201300.

Allele frequency attached by ClinVar (database versions not stated): gnomAD exomes 0.00001.
gnomAD v4.1: 9 of 1,614,156 alleles (0.00056%); highest among the groups gnomAD compares: Non-Finnish European, 0.00076%; no homozygotes.

Submission:

Labcorp Genetics (formerly Invitae), Labcorp
Classification: Pathogenic for Neuropathy, hereditary sensory and autonomic, type 2A; Generalized epilepsy with febrile seizures plus, type 7. Last evaluated: 2023-03-01. Review status: criteria provided, single submitter. Criteria: Invitae Variant Classification Sherloc (09022015). Collection method: clinical testing. Allele origin: germline.
Comment: For these reasons, this variant has been classified as Pathogenic. This variant disrupts a region of the SCN9A protein in which other variant(s) (p.Glu1773Glyfs*14) have been determined to be pathogenic (PMID: 25253744). This suggests that this is a clinically significant region of the protein, and that variants that disrupt it are likely to be disease-causing. ClinVar contains an entry for this variant (Variation ID: 1068637). This premature translational stop signal has been observed in individual(s) with autosomal recessive congenital indifference to pain (PMID: 17470132). This variant is not present in population databases (gnomAD no frequency). This sequence change creates a premature translational stop signal (p.Trp1689*) in the SCN9A gene. While this is not anticipated to result in nonsense mediated decay, it is expected to disrupt the last 289 amino acid(s) of the SCN9A protein.

Literature cited by the submitters: PubMed 25253744; PubMed 17470132.

NM_001365536.1(SCN9A):c.5100G>A (p.Trp1700Ter)

Genes: SCN9A (sodium voltage-gated channel alpha subunit 9; minus strand), SCN1A-AS1 (SCN1A and SCN9A antisense RNA 1; plus strand). Cytogenetic location: 2q24.3.
Variant type: single nucleotide variant.
Coding change: c.5100G>A on transcript NM_001365536.1 (MANE Select); coding-DNA position 5100, G replaced by A.
Protein change: p.Trp1700Ter; replaces tryptophan 1700 with a stop codon.
Molecular consequence: nonsense.
Genome position (GRCh38, 1-based): chr2:166,199,539, C>T on the plus strand (G>A on the coding strand, the complement: SCN9A is on the minus strand). VCF-style: chr2-166199539-C-T. GRCh37 (hg19) VCF-style: chr2-167056049-C-T.
Other names: c.5067G>A, p.Trp1689Ter (NM_002977.4); short protein forms W1689*, W1700*.
Identifiers: ClinVar variation 1068637 (VCV001068637.9), dbSNP rs1553473186, ClinGen allele CA349054711.